The following is an entry in ClinVar:

NM_001497.4(B4GALT1):c.10C>T (p.Arg4Trp)

Genes: B4GALT1 (beta-1,4-galactosyltransferase 1; minus strand), B4GALT1-AS1 (B4GALT1 antisense RNA 1; plus strand). Cytogenetic location: 9p21.1.
Variant type: single nucleotide variant.
Coding change: c.10C>T on transcript NM_001497.4 (MANE Select); coding-DNA position 10, C replaced by T.
Protein change: p.Arg4Trp; replaces arginine 4 with tryptophan.
Molecular consequence: missense variant.
Genome position (GRCh38, 1-based): chr9:33,167,160, G>A on the plus strand (C>T on the coding strand, the complement: B4GALT1 is on the minus strand). VCF-style: chr9-33167160-G-A. GRCh37 (hg19) VCF-style: chr9-33167158-G-A.
Other names: c.10C>T, p.Arg4Trp (NM_001378496.1, NM_001378497.1); short protein forms R4W.
Identifiers: ClinVar variation 1305019 (VCV001305019.2), dbSNP rs778765256, ClinGen allele CA5023863.
Genomic context (GRCh38, chr9:33,167,160, plus strand): 5'-GGCAGGCCCGCTGTAGGGACGCGCCTGGCATCGCGGCGCTGCCGCTCAGGAGCGGCTCCC[G>A]AAGCCTCATCTTCCCGCCGCCGCTTTAAGAAGGGTGTGGGCTACAGGAGGGGAGGCGACC-3'
Protein context (NP_001488.2, residues 1-14): MRL[Arg4Trp]EPLLSGSAAM

ClinVar aggregate classification (germline): Uncertain significance (1 of 4 stars; one submission).

Allele frequency attached by ClinVar (database versions not stated): TOPMed below 0.00001; gnomAD 0.00001; gnomAD exomes 0.00001 and 0.00002.
gnomAD v4.1: 24 of 1,598,804 alleles (0.0015%); highest among the groups gnomAD compares: East Asian, 0.0045%; no homozygotes.

Submission:

GeneDx
Classification: Uncertain significance. Last evaluated: 2019-04-10. Review status: criteria provided, single submitter. Criteria: GeneDx Variant Classification Process June 2021. Collection method: clinical testing. Allele origin: germline. Affected: yes.
Comment: Has not been previously published as pathogenic or benign to our knowledge; Not observed in large population cohorts (Lek et al., 2016); In silico analysis, which includes protein predictors and evolutionary conservation, supports that this variant does not alter protein structure/function